The following is an entry in ClinVar:

ClinVar aggregate classification (germline): Uncertain significance. Review status: criteria provided, multiple submitters, no conflicts (2 of 4 stars). 2 submissions from 2 submitters: Uncertain significance (2). Last evaluated 2023-03-18.

Conditions:
Osteogenesis imperfecta type I (OI1). Also called: Classic Non-deforming Osteogenesis Imperfecta with Blue Sclerae; Osteogenesis imperfecta type 1; Lobstein disease; Lobstein's Disease; OI, TYPE I; OSTEOGENESIS IMPERFECTA TARDA. Identifiers: Orphanet 216796, Orphanet 666, MedGen C0023931, MONDO:0008146, OMIM 166200. Disease mechanism: loss of function.
Ehlers-Danlos syndrome, classic type, 1 (EDSCL1). Also called: EHLERS-DANLOS SYNDROME, GRAVIS TYPE; EHLERS-DANLOS SYNDROME, SEVERE CLASSIC TYPE; EDS I; Ehlers-Danlos syndrome, type 1; Ehlers-Danlos Syndrome, Classic Type, COL5A1-Related. Identifiers: MedGen C0268335, MONDO:0019567, OMIM 130000.

Allele frequency attached by ClinVar (database versions not stated): gnomAD exomes 0.00001.
gnomAD v4.1: 4 of 1,614,054 alleles (0.00025%); highest among the groups gnomAD compares: Non-Finnish European, 0.00034%; no homozygotes.

Submissions (2):

Labcorp Genetics (formerly Invitae), Labcorp
Classification: Uncertain significance for Osteogenesis imperfecta type I; Ehlers-Danlos syndrome, classic type, 1. Last evaluated: 2023-03-18. Review status: criteria provided, single submitter. Criteria: Invitae Variant Classification Sherloc (09022015). Collection method: clinical testing. Allele origin: germline.
Comment: This sequence change replaces lysine, which is basic and polar, with arginine, which is basic and polar, at codon 1192 of the COL1A2 protein (p.Lys1192Arg). This variant is present in population databases (no rsID available, gnomAD 0.0009%). This variant has not been reported in the literature in individuals affected with COL1A2-related conditions. Advanced modeling of protein sequence and biophysical properties (such as structural, functional, and spatial information, amino acid conservation, physicochemical variation, residue mobility, and thermodynamic stability) performed at Invitae indicates that this missense variant is not expected to disrupt COL1A2 protein function. In summary, the available evidence is currently insufficient to determine the role of this variant in disease. Therefore, it has been classified as a Variant of Uncertain Significance.

Blueprint Genetics
Classification: Uncertain significance. Last evaluated: 2020-07-21. Review status: criteria provided, single submitter. Criteria: ACMG Guidelines, 2015. Collection method: clinical testing. Allele origin: germline.

NM_000089.4(COL1A2):c.3575A>G (p.Lys1192Arg)

Gene: COL1A2 (collagen type I alpha 2 chain; plus strand). Cytogenetic location: 7q21.3.
Variant type: single nucleotide variant.
Coding change: c.3575A>G on transcript NM_000089.4 (MANE Select); coding-DNA position 3575, A replaced by G.
Protein change: p.Lys1192Arg; replaces lysine 1192 with arginine.
Molecular consequence: missense variant.
Genome position (GRCh38, 1-based): chr7:94,428,341, A>G. VCF-style: chr7-94428341-A-G. GRCh37 (hg19) VCF-style: chr7-94057653-A-G.
Other names: short protein forms K1192R.
Identifiers: ClinVar variation 2928554 (VCV002928554.4), dbSNP rs1173170816, ClinGen allele CA368226277.